The following is an entry in ClinVar:

NM_006421.5(ARFGEF1):c.5393C>T (p.Ala1798Val)

Gene: ARFGEF1 (ARF guanine nucleotide exchange factor 1; minus strand). Cytogenetic location: 8q13.2.
Variant type: single nucleotide variant.
Coding change: c.5393C>T on transcript NM_006421.5 (MANE Select); coding-DNA position 5393, C replaced by T.
Protein change: p.Ala1798Val; replaces alanine 1798 with valine.
Molecular consequence: missense variant. On other transcripts: non-coding transcript variant (1), intron variant (2).
Genome position (GRCh38, 1-based): chr8:67,199,091, G>A on the plus strand (C>T on the coding strand, the complement: ARFGEF1 is on the minus strand). VCF-style: chr8-67199091-G-A. GRCh37 (hg19) VCF-style: chr8-68111326-G-A.
Other names: c.5393C>T, p.Ala1798Val (NM_001413184.1); c.5375C>T, p.Ala1792Val (NM_001413185.1, NM_001413189.1); c.4793C>T, p.Ala1598Val (NM_001413188.1, NM_001413197.1); c.5387C>T, p.Ala1796Val (NM_001413190.1); c.5297C>T, p.Ala1766Val (NM_001413191.1); c.5279C>T, p.Ala1760Val (NM_001413192.1); c.3968C>T, p.Ala1323Val (NM_001413196.1); c.5367+1305C>T (NM_001413186.1); and 1 more; short protein forms A1323V, A1598V, A1760V, A1766V, A1792V, A1796V, A1798V.
Identifiers: ClinVar variation 3257182 (VCV003257182.17).

ClinVar aggregate classification (germline): Uncertain significance (1 of 4 stars; one submission).

gnomAD v4.1: 10 of 1,605,774 alleles (0.00062%); highest among the groups gnomAD compares: Non-Finnish European, 0.00076%; no homozygotes.

Submission:

CeGaT Center for Human Genetics Tuebingen
Classification: Uncertain significance. Last evaluated: 2024-07-01. Review status: criteria provided, single submitter. Criteria: CeGaT Center For Human Genetics Tuebingen Variant Classification Criteria Version 2. Collection method: clinical testing. Allele origin: germline. Affected: yes. Observed: 1 variant allele.
Comment: ARFGEF1: PM2